The following is an entry in ClinVar:

NM_033380.3(COL4A5):c.4372C>T (p.Pro1458Ser)

Gene: COL4A5 (collagen type IV alpha 5 chain; plus strand). Cytogenetic location: Xq22.3.
Variant type: single nucleotide variant.
Coding change: c.4372C>T on transcript NM_033380.3 (MANE Select); coding-DNA position 4372, C replaced by T.
Protein change: p.Pro1458Ser; replaces proline 1458 with serine.
Molecular consequence: missense variant.
Genome position (GRCh38, 1-based): chrX:108,687,538, C>T. VCF-style: chrX-108687538-C-T. GRCh37 (hg19) VCF-style: chrX-107930768-C-T.
Other names: c.4354C>T, p.Pro1452Ser (NM_000495.5); short protein forms P1452S, P1458S.
Identifiers: ClinVar variation 1936273 (VCV001936273.2), dbSNP rs1379422379, ClinGen allele CA413854102.

ClinVar aggregate classification (germline): Uncertain significance (1 of 4 stars; one submission).

Allele frequency attached by ClinVar (database versions not stated): TOPMed below 0.00001; gnomAD exomes below 0.00001.
gnomAD v4.1: 2 of 1,211,105 alleles (0.00017%); highest among the groups gnomAD compares: Non-Finnish European, 0.00022%; no homozygotes.

Submission:

Labcorp Genetics (formerly Invitae), Labcorp
Classification: Uncertain significance. Last evaluated: 2021-03-16. Review status: criteria provided, single submitter. Criteria: Invitae Variant Classification Sherloc (09022015). Collection method: clinical testing. Allele origin: germline.
Comment: This sequence change replaces proline with serine at codon 1452 of the COL4A5 protein (p.Pro1452Ser). The proline residue is highly conserved and there is a moderate physicochemical difference between proline and serine. This variant is not present in population databases (ExAC no frequency). This variant has not been reported in the literature in individuals with COL4A5-related conditions. Advanced modeling of protein sequence and biophysical properties (such as structural, functional, and spatial information, amino acid conservation, physicochemical variation, residue mobility, and thermodynamic stability) performed at Invitae indicates that this missense variant is not expected to disrupt COL4A5 protein function. In summary, the available evidence is currently insufficient to determine the role of this variant in disease. Therefore, it has been classified as a Variant of Uncertain Significance.